The following is an entry in ClinVar:

NM_198578.4(LRRK2):c.5869C>T (p.Arg1957Cys)

Gene: LRRK2 (leucine rich repeat kinase 2; plus strand). Cytogenetic location: 12q12.
Variant type: single nucleotide variant.
Coding change: c.5869C>T on transcript NM_198578.4 (MANE Select); coding-DNA position 5869, C replaced by T.
Protein change: p.Arg1957Cys; replaces arginine 1957 with cysteine.
Molecular consequence: missense variant.
Genome position (GRCh38, 1-based): chr12:40,335,078, C>T. VCF-style: chr12-40335078-C-T. GRCh37 (hg19) VCF-style: chr12-40728880-C-T.
Other names: c.5869C>T (NM_198578.3); short protein forms R1957C.
Identifiers: ClinVar variation 4802237 (VCV004802237.2).

ClinVar aggregate classification (germline): Uncertain significance. Review status: criteria provided, multiple submitters, no conflicts (2 of 4 stars). 2 submissions from 2 submitters: Uncertain significance (2). Last evaluated 2025-04-22.

Conditions:
LRRK2-related disorder. Also called: LRRK2-related condition.
Autosomal dominant Parkinson disease 8. Also called: LRRK2-Related Parkinson Disease; Parkinson disease 8; Parkinson disease 8, susceptibility to. Identifiers: Orphanet 411602, MedGen C1846862, MONDO:0011764, OMIM 607060.

gnomAD v4.1: 19 of 1,613,980 alleles (0.0012%); highest among the groups gnomAD compares: Admixed American, 0.005%; no homozygotes.

Submissions (2):

Labcorp Genetics (formerly Invitae), Labcorp
Classification: Uncertain significance for Autosomal dominant Parkinson disease 8. Last evaluated: 2025-04-22. Review status: criteria provided, single submitter. Criteria: Invitae Variant Classification Sherloc (09022015). Collection method: clinical testing. Allele origin: germline.
Comment: This sequence change replaces arginine, which is basic and polar, with cysteine, which is neutral and slightly polar, at codon 1957 of the LRRK2 protein (p.Arg1957Cys). This variant is present in population databases (rs200521995, gnomAD 0.003%). This missense change has been observed in individual(s) with Parkinson's disease (PMID: 32707456). Invitae Evidence Modeling of protein sequence and biophysical properties (such as structural, functional, and spatial information, amino acid conservation, physicochemical variation, residue mobility, and thermodynamic stability) has been performed for this missense variant. However, the output from this modeling did not meet the statistical confidence thresholds required to predict the impact of this variant on LRRK2 protein function. This variant disrupts the p.Arg1957 amino acid residue in LRRK2. Other variant(s) that disrupt this residue have been observed in individuals with LRRK2-related conditions (PMID: 32677286, 32707456), which suggests that this may be a clinically significant amino acid residue. In summary, the available evidence is currently insufficient to determine the role of this variant in disease. Therefore, it has been classified as a Variant of Uncertain Significance.

PreventionGenetics, part of Exact Sciences
Classification: Uncertain significance for LRRK2-related condition. Last evaluated: 2025-03-24. Review status: criteria provided, single submitter. Criteria: ACMG Guidelines, 2015. Collection method: clinical testing. Allele origin: germline.
Comment: The LRRK2 c.5869C>T variant is predicted to result in the amino acid substitution p.Arg1957Cys. This variant, along with LRRK2 c.1117G>A (p.Ala373Thr, NM_198578), have been reported in an individual with Parkinson disease (Supplementary Table 2, Patient ID: 248, Kumar et al. 2020. PubMed ID: 32707456). This variant is reported in 0.0028% of alleles in individuals of Latino descent in gnomAD. At this time, the clinical significance of this variant is uncertain due to the absence of conclusive functional and genetic evidence.

Literature cited by the submitters: PubMed 32707456 (cited by Labcorp Genetics (formerly Invitae), Labcorp); PubMed 32677286 (cited by Labcorp Genetics (formerly Invitae), Labcorp).